The following is an entry in ClinVar:

NM_001903.5(CTNNA1):c.1547-5T>G

Gene: CTNNA1 (catenin alpha 1; plus strand). Cytogenetic location: 5q31.2.
Variant type: single nucleotide variant.
Coding change: c.1547-5T>G on transcript NM_001903.5 (MANE Select); 5 bases into the intron before coding-DNA position 1547, T replaced by G.
Molecular consequence: intron variant.
Genome position (GRCh38, 1-based): chr5:138,924,505, T>G. VCF-style: chr5-138924505-T-G. GRCh37 (hg19) VCF-style: chr5-138260194-T-G.
Other names: c.1547-5T>G (NM_001323982.2, NM_001323984.2, NM_001290307.3 and 2 more transcripts); c.1454-5T>G (NM_001323986.2); c.1178-5T>G (NM_001290310.3); c.1238-5T>G (NM_001290309.3); c.437-5T>G (NM_001323996.1, NM_001323993.1, NM_001324005.1 and 17 more transcripts); c.98-5T>G (NM_001324007.1, NM_001324009.1, NM_001324006.1 and 2 more transcripts); c.194-5T>G (NM_001324013.1, NM_001324012.1); c.344-5T>G (NM_001324011.1).
Identifiers: ClinVar variation 4007976 (VCV004007976.1).

ClinVar aggregate classification (germline): Uncertain significance (1 of 4 stars; one submission).

Conditions:
Hereditary cancer-predisposing syndrome. Also called: Tumor predisposition; Hereditary neoplastic syndrome; Neoplastic Syndromes, Hereditary; Hereditary Cancer Syndrome. Identifiers: Orphanet 140162, MedGen C0027672, MeSH D009386, MONDO:0015356.

Submission:

Ambry Genetics
Classification: Uncertain significance for Hereditary cancer-predisposing syndrome. Last evaluated: 2025-04-07. Review status: criteria provided, single submitter. Criteria: Ambry Variant Classification Scheme 2023. Collection method: clinical testing. Allele origin: germline.
Comment: The c.1547-5T>G intronic variant results from a T to G substitution 5 nucleotides upstream from coding exon 11 in the CTNNA1 gene. This nucleotide position is poorly conserved in available vertebrate species. In silico splice site analysis predicts that this alteration will not have any significant effect on splicing. Based on the available evidence, the clinical significance of this variant remains unclear.